The following is an entry in ClinVar:

NM_198437.3(AURKA):c.169A>G (p.Ile57Val)

Genes: AURKA (aurora kinase A; minus strand), LOC126863064 (BRD4-independent group 4 enhancer GRCh37_chr20:54961142-54962341; plus strand). Cytogenetic location: 20q13.2.
Variant type: single nucleotide variant.
Coding change: c.169A>G on transcript NM_198437.3 (MANE Select); coding-DNA position 169, A replaced by G.
Protein change: p.Ile57Val; replaces isoleucine 57 with valine.
Molecular consequence: missense variant.
Genome position (GRCh38, 1-based): chr20:56,386,407, T>C on the plus strand (A>G on the coding strand, the complement: AURKA is on the minus strand). VCF-style: chr20-56386407-T-C. GRCh37 (hg19) VCF-style: chr20-54961463-T-C.
Other names: c.169A>G, p.Ile57Val (NM_001323303.2, NM_001323304.2, NM_001323305.2 and 6 more transcripts); c.271A>G, p.Ile91Val (NM_001424418.1, NM_001424419.1, NM_001424420.1); short protein forms I57V, I91V.
Identifiers: ClinVar variation 3059051 (VCV003059051.2), dbSNP rs1047972, ClinGen allele CA9917486.

ClinVar aggregate classification (germline): Benign (0 of 4 stars; one submission).

Conditions:
AURKA-related disorder. Also called: AURKA-related condition.

Allele frequency attached by ClinVar (database versions not stated): ESP Exome Variant Server 0.83777; gnomAD exomes 0.84367; gnomAD 0.84408; ExAC 0.84819; TOPMed 0.84963; 1000 Genomes Project 0.84984; 1000 Genomes Project 30x 0.85462.
gnomAD v4.1: 1,362,013 of 1,613,986 alleles (84%); highest among the groups gnomAD compares: Admixed American, 91%; 575,145 homozygotes.

Submission:

PreventionGenetics, part of Exact Sciences
Classification: Benign for AURKA-related condition. Last evaluated: 2019-10-17. Review status: no assertion criteria provided. Collection method: clinical testing. Allele origin: germline.
Comment: This variant is classified as benign based on ACMG/AMP sequence variant interpretation guidelines (Richards et al. 2015 PMID: 25741868, with internal and published modifications).